The following is an entry in ClinVar:

ClinVar aggregate classification (germline): Uncertain significance (1 of 4 stars; one submission).

gnomAD v4.1: 11 of 1,614,028 alleles (0.00068%); highest among the groups gnomAD compares: Non-Finnish European, 0.00093%; no homozygotes.

Submission:

Labcorp Genetics (formerly Invitae), Labcorp
Classification: Uncertain significance. Last evaluated: 2022-02-08. Review status: criteria provided, single submitter. Criteria: Invitae Variant Classification Sherloc (09022015). Collection method: clinical testing. Allele origin: germline.
Comment: In summary, the available evidence is currently insufficient to determine the role of this variant in disease. Therefore, it has been classified as a Variant of Uncertain Significance. Algorithms developed to predict the effect of missense changes on protein structure and function (SIFT, PolyPhen-2, Align-GVGD) all suggest that this variant is likely to be tolerated. This variant has not been reported in the literature in individuals affected with C5-related conditions. This variant is not present in population databases (gnomAD no frequency). This sequence change replaces serine, which is neutral and polar, with arginine, which is basic and polar, at codon 1258 of the C5 protein (p.Ser1258Arg).

NM_001735.3(C5):c.3772A>C (p.Ser1258Arg)

Gene: C5 (complement C5; minus strand). Cytogenetic location: 9q33.2.
Variant type: single nucleotide variant.
Coding change: c.3772A>C on transcript NM_001735.3 (MANE Select); coding-DNA position 3772, A replaced by C.
Protein change: p.Ser1258Arg; replaces serine 1258 with arginine.
Molecular consequence: missense variant.
Genome position (GRCh38, 1-based): chr9:120,976,792, T>G on the plus strand (A>C on the coding strand, the complement: C5 is on the minus strand). VCF-style: chr9-120976792-T-G. GRCh37 (hg19) VCF-style: chr9-123739070-T-G.
Other names: c.3790A>C, p.Ser1264Arg (NM_001317163.2); short protein forms S1258R, S1264R.
Identifiers: ClinVar variation 1494899 (VCV001494899.8), dbSNP rs202117985, ClinGen allele CA374726415.
Genomic context (GRCh38, chr9:120,976,792, plus strand): 5'-GCTCTTCTGATAGCCATTTGATGACTGGGTTAACATAATTTATATCTTTCAAGTTCAGAC[T>G]GGTGAGTAAAGCATAGGCAGTTGTTTCTACCATACGTGCCGTACCAGTGTTAGGTACAGA-3'
Protein context (NP_001726.2, residues 1248-1268): VETTAYALLT[Ser1258Arg]LNLKDINYVN